The following is an entry in ClinVar:

ClinVar aggregate classification (germline): Pathogenic/Likely pathogenic. Review status: criteria provided, multiple submitters, no conflicts (2 of 4 stars). 4 submissions from 4 submitters: Pathogenic (1); Likely pathogenic (3). Last evaluated 2024-12-04.

Conditions:
Combined malonic and methylmalonic acidemia. Identifiers: Orphanet 289504, MedGen C3280314, MONDO:0013661, OMIM 614265.

Submissions (4):

Natera, Inc.
Classification: Likely pathogenic for Combined malonic and methylmalonic aciduria. Last evaluated: 2024-12-04. Review status: criteria provided, single submitter. Criteria: Natera Variant Classification Schema (03/2026). Collection method: clinical testing. Allele origin: germline.
Comment: The c.1328delC variant in ACSF3 is a frameshift variant predicted to shift the reading frame beginning at codon 443 and leads to a stop codon 62 codons downstream. This variant is expected to result in nonsense mediated decay, truncation, or a dysfunctional protein product. This variant is rare in the general population with a frequency below the threshold expected for the associated phenotype(s). Given the available evidence, this variant is classified as Likely Pathogenic.

Women's Health and Genetics/Laboratory Corporation of America, LabCorp
Classification: Likely pathogenic for Combined malonic and methylmalonic acidemia. Last evaluated: 2023-04-17. Review status: criteria provided, single submitter. Criteria: LabCorp Variant Classification Summary - May 2015. Collection method: clinical testing. Allele origin: germline.
Comment: Variant summary: ACSF3 c.1328delC (p.Thr443IlefsX62) results in a premature termination codon, predicted to cause a truncation of the encoded protein or absence of the protein due to nonsense mediated decay, which are commonly known mechanisms for disease. Truncations downstream of this position are classified as pathogenic in ClinVar. The variant was absent in 251426 control chromosomes. To our knowledge, no occurrence of c.1328delC in individuals affected with Combined Malonic And Methylmalonic Aciduria and no experimental evidence demonstrating its impact on protein function have been reported. One submitter has provided a clinical-significance assessment for this variant to ClinVar after 2014, and classified the variant as pathogenic. Based on the evidence outlined above, the variant was classified as likely pathogenic.

Baylor Genetics
Classification: Likely pathogenic for Combined malonic and methylmalonic acidemia. Last evaluated: 2023-01-19. Review status: criteria provided, single submitter. Criteria: ACMG Guidelines, 2015. Collection method: clinical testing. Allele origin: unknown.

Labcorp Genetics (formerly Invitae), Labcorp
Classification: Pathogenic for Combined malonic and methylmalonic acidemia. Last evaluated: 2020-09-04. Review status: criteria provided, single submitter. Criteria: Invitae Variant Classification Sherloc (09022015). Collection method: clinical testing. Allele origin: germline.
Comment: This variant is not present in population databases (ExAC no frequency). This sequence change creates a premature translational stop signal (p.Thr443Ilefs*62) in the ACSF3 gene. It is expected to result in an absent or disrupted protein product. This variant has not been reported in the literature in individuals with ACSF3-related conditions. Loss-of-function variants in ACSF3 are known to be pathogenic (PMID: 21841779, 26827111). For these reasons, this variant has been classified as Pathogenic.

Literature cited by the submitters: PubMed 21841779 (cited by Labcorp Genetics (formerly Invitae), Labcorp); PubMed 26827111 (cited by Labcorp Genetics (formerly Invitae), Labcorp).

NM_001243279.3(ACSF3):c.1328del (p.Thr443fs)

Gene: ACSF3 (acyl-CoA synthetase family member 3; plus strand). Cytogenetic location: 16q24.3.
Variant type: Deletion.
Coding change: c.1328del on transcript NM_001243279.3 (MANE Select); coding-DNA position 1328, one base deleted (C; older notation c.1328delC).
Protein change: p.Thr443fs; shifts the reading frame from threonine 443.
Molecular consequence: frameshift variant. On other transcripts: non-coding transcript variant (3).
Genome position (GRCh38, 1-based): chr16:89,133,224, C deleted. VCF-style (leftmost placement, unchanged base first): chr16-89133223-AC-A. GRCh37 (hg19) VCF-style: chr16-89199631-AC-A.
Other names: c.1328delC (NM_174917.4); c.1328del, p.Thr443fs (NM_001127214.4, NM_174917.5); c.533del, p.Thr178fs (NM_001284316.2); short protein forms T178fs, T443fs.
Identifiers: ClinVar variation 1070367 (VCV001070367.9), dbSNP rs2151521127, ClinGen allele CA2499223767.
Genomic context (GRCh38, chr16:89,133,223, plus strand): 5'-GGGGAGCTGCTGGTGAGGGGACCCTCCGTGTTTCGAGAATACTGGAATAAACCAGAAGAA[AC>A]TAAGAGTGCATTCACCCTGGATGGCTGGTTTAAGACAGGTAGGACCCAGCCCCATGGGAG-3'